The following is an entry in ClinVar:

NM_000732.6(CD3D):c.237C>G (p.Tyr79Ter)

Gene: CD3D (CD3 delta subunit of T-cell receptor complex; minus strand). Cytogenetic location: 11q23.3.
Variant type: single nucleotide variant.
Coding change: c.237C>G on transcript NM_000732.6 (MANE Select); coding-DNA position 237, C replaced by G.
Protein change: p.Tyr79Ter; replaces tyrosine 79 with a stop codon.
Molecular consequence: nonsense.
Genome position (GRCh38, 1-based): chr11:118,340,412, G>C on the plus strand (C>G on the coding strand, the complement: CD3D is on the minus strand). VCF-style: chr11-118340412-G-C. GRCh37 (hg19) VCF-style: chr11-118211127-G-C.
Other names: c.237C>G, p.Tyr79Ter (NM_001040651.2); short protein forms Y79*.
Identifiers: ClinVar variation 2754021 (VCV002754021.3), dbSNP rs2496872144, ClinGen allele CA382789090.

ClinVar aggregate classification (germline): Pathogenic (1 of 4 stars; one submission).

Conditions:
Immunodeficiency 19 (IMD19). Also called: CD3-DELTA DEFICIENCY; SEVERE COMBINED IMMUNODEFICIENCY, T CELL-NEGATIVE, B CELL-POSITIVE, NK CELL-POSITIVE; SCID, T CELL-NEGATIVE, B CELL-POSITIVE, NK CELL-POSITIVE; IMMUNODEFICIENCY 19, SEVERE COMBINED. Identifiers: MedGen C3810147, MONDO:0014280, OMIM 615617.

Submission:

Labcorp Genetics (formerly Invitae), Labcorp
Classification: Pathogenic for Immunodeficiency 19. Last evaluated: 2023-08-19. Review status: criteria provided, single submitter. Criteria: Invitae Variant Classification Sherloc (09022015). Collection method: clinical testing. Allele origin: germline.
Comment: This sequence change creates a premature translational stop signal (p.Tyr79*) in the CD3D gene. It is expected to result in an absent or disrupted protein product. Loss-of-function variants in CD3D are known to be pathogenic (PMID: 14602880, 15546002). This variant is not present in population databases (gnomAD no frequency). This variant has not been reported in the literature in individuals affected with CD3D-related conditions. For these reasons, this variant has been classified as Pathogenic.

Literature cited by the submitters: PubMed 14602880; PubMed 15546002.